The following is an entry in ClinVar:

ClinVar aggregate classification (germline): Uncertain significance. Review status: criteria provided, multiple submitters, no conflicts (2 of 4 stars). 2 submissions from 2 submitters: Uncertain significance (2). Last evaluated 2025-06-25.

gnomAD v4.1: 79 of 1,550,458 alleles (0.0051%); highest among the groups gnomAD compares: African/African-American, 0.037%; no homozygotes.

Submissions (2):

GeneDx
Classification: Uncertain significance. Last evaluated: 2025-06-25. Review status: criteria provided, single submitter. Criteria: GeneDx Variant Classification Process June 2021. Collection method: clinical testing. Allele origin: germline. Affected: yes.
Comment: In silico analysis supports that this missense variant has a deleterious effect on protein structure/function; Has not been previously published as pathogenic or benign to our knowledge

Blueprint Genetics
Classification: Uncertain significance. Last evaluated: 2024-05-16. Review status: criteria provided, single submitter. Criteria: ACMG Guidelines, 2015. Collection method: clinical testing. Allele origin: germline.

NM_001292063.2(OTOG):c.1615G>A (p.Val539Met)

Gene: OTOG (otogelin; plus strand). Cytogenetic location: 11p15.1.
Variant type: single nucleotide variant.
Coding change: c.1615G>A on transcript NM_001292063.2 (MANE Select); coding-DNA position 1615, G replaced by A.
Protein change: p.Val539Met; replaces valine 539 with methionine.
Molecular consequence: missense variant.
Genome position (GRCh38, 1-based): chr11:17,561,778, G>A. VCF-style: chr11-17561778-G-A. GRCh37 (hg19) VCF-style: chr11-17583325-G-A.
Other names: c.1651G>A, p.Val551Met (NM_001277269.2); short protein forms V539M, V551M.
Identifiers: ClinVar variation 4539994 (VCV004539994.2).